The following is an entry in ClinVar:

NM_004655.4(AXIN2):c.1908-17G>C

Gene: AXIN2 (axin 2; minus strand). Cytogenetic location: 17q24.1.
Variant type: single nucleotide variant.
Coding change: c.1908-17G>C on transcript NM_004655.4 (MANE Select); 17 bases into the intron before coding-DNA position 1908, G replaced by C.
Molecular consequence: intron variant.
Genome position (GRCh38, 1-based): chr17:65,536,570, C>G on the plus strand (G>C on the coding strand, the complement: AXIN2 is on the minus strand). VCF-style: chr17-65536570-C-G. GRCh37 (hg19) VCF-style: chr17-63532688-C-G.
Other names: c.1713-17G>C (NM_001363813.1).
Identifiers: ClinVar variation 2135289 (VCV002135289.5), dbSNP rs2509404049, ClinGen allele CA2580094683.

ClinVar aggregate classification (germline): Likely benign. Review status: criteria provided, multiple submitters, no conflicts (2 of 4 stars). 2 submissions from 2 submitters: Likely benign (2). Last evaluated 2024-07-08.

Conditions:
Oligodontia-cancer predisposition syndrome. Also called: TOOTH AGENESIS-COLORECTAL CANCER SYNDROME. Identifiers: Orphanet 300576, MedGen C1837750, MONDO:0012075, OMIM 608615. Disease mechanism: loss of function.

Submissions (2):

Myriad Genetics, Inc.
Classification: Likely benign for Oligodontia-cancer predisposition syndrome. Last evaluated: 2024-07-08. Review status: criteria provided, single submitter. Criteria: Myriad Autosomal Dominant, Autosomal Recessive and X-Linked Classification Criteria (2023). Collection method: clinical testing. Allele origin: unknown.
Comment: This variant is considered likely benign. This variant is intronic and is not expected to impact mRNA splicing.

Labcorp Genetics (formerly Invitae), Labcorp
Classification: Likely benign for Oligodontia-cancer predisposition syndrome. Last evaluated: 2022-05-08. Review status: criteria provided, single submitter. Criteria: Invitae Variant Classification Sherloc (09022015). Collection method: clinical testing. Allele origin: germline.